The following is an entry in ClinVar:

ClinVar aggregate classification (germline): Benign. Review status: criteria provided, multiple submitters, no conflicts (2 of 4 stars). 8 submissions from 7 submitters: Benign (7). 1 of the submissions does not count toward it. Last evaluated 2026-02-04.

Conditions:
Hereditary diffuse leukoencephalopathy with spheroids. Also called: LEUKOENCEPHALOPATHY, ADULT-ONSET, WITH AXONAL SPHEROIDS AND PIGMENTED GLIA. Identifiers: Orphanet 313808, MedGen C3711381, MONDO:0030796.
Brain abnormalities, neurodegeneration, and dysosteosclerosis. Identifiers: MedGen C5193117, MONDO:0032772, OMIM 618476.

Allele frequency attached by ClinVar (database versions not stated): 1000 Genomes Project 30x 0.37945; 1000 Genomes Project 0.38738; TOPMed 0.44655; gnomAD 0.47949 and 0.47995; ESP Exome Variant Server 0.48070; gnomAD exomes 0.51030; ExAC 0.51531.
gnomAD v4.1: 866,990 of 1,613,634 alleles (54%); highest among the groups gnomAD compares: Non-Finnish European, 56%; 239,809 homozygotes.

Submissions (8):

Labcorp Genetics (formerly Invitae), Labcorp
Classification: Benign. Last evaluated: 2026-02-04. Review status: criteria provided, single submitter. Criteria: Invitae Variant Classification Sherloc (09022015). Collection method: clinical testing. Allele origin: germline.

Blueprint Genetics
Classification: Benign. Last evaluated: 2024-11-26. Review status: criteria provided, single submitter. Criteria: ACMG Guidelines, 2015. Collection method: clinical testing. Allele origin: germline.

Mayo Clinic Laboratories, Mayo Clinic
Classification: Benign. Last evaluated: 2022-12-27. Review status: criteria provided, single submitter. Criteria: ACMG Guidelines, 2015. Collection method: clinical testing. Allele origin: germline. Observed: 971 variant alleles.
Comment: BA1

Genome-Nilou Lab
Classification: Benign for Brain abnormalities, neurodegeneration, and dysosteosclerosis. Last evaluated: 2021-07-30. Review status: criteria provided, single submitter. Criteria: ACMG Guidelines, 2015. Collection method: clinical testing. Allele origin: germline. Affected: no.

Genome-Nilou Lab
Classification: Benign for Leukoencephalopathy, diffuse hereditary, with spheroids 1. Last evaluated: 2021-07-30. Review status: criteria provided, single submitter. Criteria: ACMG Guidelines, 2015. Collection method: clinical testing. Allele origin: germline. Affected: no.

Illumina Laboratory Services, Illumina
Classification: Benign for Leukoencephalopathy, diffuse hereditary, with spheroids 1. Last evaluated: 2018-01-12. Review status: criteria provided, single submitter. Criteria: ICSL Variant Classification Criteria 13 December 2019. Collection method: clinical testing. Allele origin: germline.
Comment: This variant was observed in the ICSL laboratory as part of a predisposition screen in an ostensibly healthy population. It had not been previously curated by ICSL or reported in the Human Gene Mutation Database (HGMD: prior to June 1st, 2018), and was therefore a candidate for classification through an automated scoring system. Utilizing variant allele frequency, disease prevalence and penetrance estimates, and inheritance mode, an automated score was calculated to assess if this variant is too frequent to cause the disease. Based on the score and internal cut-off values, a variant classified as benign is not then subjected to further curation. The score for this variant resulted in a classification of benign for this disease.

Clinical Genetics DNA and cytogenetics Diagnostics Lab, Erasmus MC, Erasmus Medical Center
Classification: Benign for Leukoencephalopathy, diffuse hereditary, with spheroids 1. Last evaluated: 2015-09-21. Review status: criteria provided, single submitter. Criteria: ACGS Guidelines, 2013. Collection method: clinical testing. Allele origin: germline. Affected: yes. Study: VKGL Data-share Consensus.

Genome Diagnostics Laboratory, Amsterdam University Medical Center
Classification: Benign for Leukoencephalopathy, diffuse hereditary, with spheroids 1. Last evaluated: 2015-01-09. Review status: no assertion criteria provided. Criteria: ACGS Guidelines, 2013. Collection method: clinical testing. Allele origin: germline. Affected: yes. Study: VKGL Data-share Consensus. Not counted in ClinVar's aggregate classification.

NM_001288705.3(CSF1R):c.726C>T (p.Thr242=)

Genes: CSF1R (colony stimulating factor 1 receptor; minus strand), LOC111188154 (RORalpha allelically-responsive CSF1R enhancer; plus strand). Cytogenetic location: 5q32.
Variant type: single nucleotide variant.
Coding change: c.726C>T on transcript NM_001288705.3 (MANE Select); coding-DNA position 726, C replaced by T.
Protein change: p.Thr242=; no amino-acid change (threonine 242 retained).
Molecular consequence: synonymous variant. On other transcripts: non-coding transcript variant (2).
Genome position (GRCh38, 1-based): chr5:150,078,115, G>A on the plus strand (C>T on the coding strand, the complement: CSF1R is on the minus strand). VCF-style: chr5-150078115-G-A. GRCh37 (hg19) VCF-style: chr5-149457678-G-A.
Other names: p.Thr242=; c.726C>T, p.Thr242= (NM_001349736.2, NM_001375320.1, NM_005211.4); c.282C>T, p.Thr94= (NM_001375321.1).
Identifiers: ClinVar variation 352165 (VCV000352165.20), dbSNP rs2228422, ClinGen allele CA3507098.
Genomic context (GRCh38, chr5:150,078,115, plus strand): 5'-AAACCTGGTGTGCTGGGAGGATGGCCAGACTTCACCTTGTGATCTGCAGGGACTGACCTT[G>A]GTGTTGTTGTGTTGGAGGAAGACATCAAAGTTAACATCAACGCTGCTGGCTGAGCACACG-3'
Protein context (NP_001275634.1, residues 232-252): NFDVFLQHNN[Thr242=]KLAIPQQSDF